The following is an entry in ClinVar:

ClinVar aggregate classification (germline): Likely benign (1 of 4 stars; one submission).

Allele frequency attached by ClinVar (database versions not stated): gnomAD 0.00002; gnomAD exomes 0.00002; ExAC 0.00012.
gnomAD v4.1: 30 of 1,602,684 alleles (0.0019%); highest among the groups gnomAD compares: South Asian, 0.029%; no homozygotes.

Submission:

CeGaT Center for Human Genetics Tuebingen
Classification: Likely benign. Last evaluated: 2022-10-01. Review status: criteria provided, single submitter. Criteria: CeGaT Center For Human Genetics Tuebingen Variant Classification Criteria Version 2. Collection method: clinical testing. Allele origin: germline. Affected: yes. Observed: 1 variant allele.
Comment: TENM4: BP4, BP7

NM_001098816.3(TENM4):c.2046G>A (p.Val682=)

Gene: TENM4 (teneurin transmembrane protein 4; minus strand). Cytogenetic location: 11q14.1.
Variant type: single nucleotide variant.
Coding change: c.2046G>A on transcript NM_001098816.3 (MANE Select); coding-DNA position 2046, G replaced by A.
Protein change: p.Val682=; no amino-acid change (valine 682 retained).
Molecular consequence: synonymous variant.
Genome position (GRCh38, 1-based): chr11:78,805,425, C>T on the plus strand (G>A on the coding strand, the complement: TENM4 is on the minus strand). VCF-style: chr11-78805425-C-T. GRCh37 (hg19) VCF-style: chr11-78516470-C-T.
Identifiers: ClinVar variation 2642227 (VCV002642227.24), dbSNP rs777650575, ClinGen allele CA6207457.